The following is an entry in ClinVar:

ClinVar aggregate classification (germline): Likely benign. Review status: criteria provided, multiple submitters, no conflicts (2 of 4 stars). 2 submissions from 2 submitters: Likely benign (2). Last evaluated 2026-01-24.

Allele frequency attached by ClinVar (database versions not stated): ExAC 0.00038; ESP Exome Variant Server 0.00077; gnomAD 0.00080; TOPMed 0.00096; 1000 Genomes Project 0.00120; 1000 Genomes Project 30x 0.00125.
gnomAD v4.1: 300 of 1,538,606 alleles (0.019%); highest among the groups gnomAD compares: African/African-American, 0.28%; 1 homozygote.

Submissions (2):

Labcorp Genetics (formerly Invitae), Labcorp
Classification: Likely benign. Last evaluated: 2026-01-24. Review status: criteria provided, single submitter. Criteria: Invitae Variant Classification Sherloc (09022015). Collection method: clinical testing. Allele origin: germline.

CeGaT Center for Human Genetics Tuebingen
Classification: Likely benign. Last evaluated: 2022-04-01. Review status: criteria provided, single submitter. Criteria: CeGaT Center For Human Genetics Tuebingen Variant Classification Criteria Version 2. Collection method: clinical testing. Allele origin: germline. Affected: yes. Observed: 1 variant allele.
Comment: WNT9B: PP3, BS2

NM_003396.3(WNT9B):c.85G>A (p.Gly29Arg)

Genes: LRRC37A2 (leucine rich repeat containing 37 member A2), WNT9B (Wnt family member 9B; plus strand). Cytogenetic location: 17q21.32.
Variant type: single nucleotide variant.
Coding change: c.85G>A on transcript NM_003396.3 (MANE Select); coding-DNA position 85, G replaced by A.
Protein change: p.Gly29Arg; replaces glycine 29 with arginine.
Molecular consequence: missense variant.
Genome position (GRCh38, 1-based): chr17:46,872,524, G>A. VCF-style: chr17-46872524-G-A. GRCh37 (hg19) VCF-style: chr17-44949890-G-A.
Other names: c.85G>A, p.Gly29Arg (NM_001320458.2); short protein forms G29R.
Identifiers: ClinVar variation 2647871 (VCV002647871.27), dbSNP rs147055144, ClinGen allele CA8620754.